The following is an entry in ClinVar:

ClinVar aggregate classification (germline): Conflicting classifications of pathogenicity. Review status: criteria provided, conflicting classifications (1 of 4 stars). 7 submissions from 7 submitters: Uncertain significance (1); Likely benign (5). 1 of the submissions does not count toward it. Last evaluated 2025-12-19.

Conditions:
NTRK1-related disorder. Also called: NTRK1-related condition.
Hereditary insensitivity to pain with anhidrosis (CIPA). Also called: NEUROPATHY, CONGENITAL SENSORY, WITH ANHIDROSIS; hereditary sensory and autonomic neuropathy type 4; NTRK1 Congenital Insensitivity to Pain with Anhidrosis; INSENSITIVITY TO PAIN, CONGENITAL, WITH ANHIDROSIS; HSAN Type IV; FAMILIAL DYSAUTONOMIA, TYPE II. Identifiers: Orphanet 642, MedGen C0020074, MONDO:0009746, OMIM 256800.
Inborn genetic diseases. Identifiers: MedGen C0950123, MeSH D030342.

Allele frequency attached by ClinVar (database versions not stated): gnomAD exomes 0.00014 and 0.00032; ExAC 0.00015; gnomAD 0.00019 and 0.00021; TOPMed 0.00021; ESP Exome Variant Server 0.00055.
gnomAD v4.1: 458 of 1,555,610 alleles (0.029%); highest among the groups gnomAD compares: Non-Finnish European, 0.037%; no homozygotes.

Submissions (7):

Labcorp Genetics (formerly Invitae), Labcorp
Classification: Likely benign for Hereditary insensitivity to pain with anhidrosis. Last evaluated: 2025-12-19. Review status: criteria provided, single submitter. Criteria: Invitae Variant Classification Sherloc (09022015). Collection method: clinical testing. Allele origin: germline.

Mayo Clinic Laboratories, Mayo Clinic
Classification: Likely benign. Last evaluated: 2022-07-15. Review status: criteria provided, single submitter. Criteria: ACMG Guidelines, 2015. Collection method: clinical testing. Allele origin: germline. Observed: 3 variant alleles.
Comment: BP4, BP7

CeGaT Center for Human Genetics Tuebingen
Classification: Likely benign. Last evaluated: 2022-07-01. Review status: criteria provided, single submitter. Criteria: CeGaT Center For Human Genetics Tuebingen Variant Classification Criteria Version 2. Collection method: clinical testing. Allele origin: germline. Affected: yes. Observed: 2 variant alleles.
Comment: NTRK1: BP4, BP7

Ambry Genetics
Classification: Likely benign for Inborn genetic diseases. Last evaluated: 2019-07-11. Review status: criteria provided, single submitter. Criteria: Ambry Variant Classification Scheme 2023. Collection method: clinical testing. Allele origin: germline.

GeneDx
Classification: Likely benign. Last evaluated: 2019-04-29. Review status: criteria provided, single submitter. Criteria: GeneDx Variant Classification Process June 2021. Collection method: clinical testing. Allele origin: germline. Affected: yes.

Illumina Laboratory Services, Illumina
Classification: Uncertain significance for Hereditary insensitivity to pain with anhidrosis. Last evaluated: 2018-01-13. Review status: criteria provided, single submitter. Criteria: ICSL Variant Classification Criteria 13 December 2019. Collection method: clinical testing. Allele origin: germline.

PreventionGenetics, part of Exact Sciences
Classification: Likely benign for NTRK1-related condition. Last evaluated: 2019-11-20. Review status: no assertion criteria provided. Collection method: clinical testing. Allele origin: germline. Not counted in ClinVar's aggregate classification.
Comment: This variant is classified as likely benign based on ACMG/AMP sequence variant interpretation guidelines (Richards et al. 2015 PMID: 25741868, with internal and published modifications).

NM_002529.4(NTRK1):c.630C>T (p.Asp210=)

Gene: NTRK1 (neurotrophic receptor tyrosine kinase 1; plus strand). Cytogenetic location: 1q23.1.
Variant type: single nucleotide variant.
Coding change: c.630C>T on transcript NM_002529.4 (MANE Select); coding-DNA position 630, C replaced by T.
Protein change: p.Asp210=; no amino-acid change (aspartic acid 210 retained).
Molecular consequence: synonymous variant.
Genome position (GRCh38, 1-based): chr1:156,868,560, C>T. VCF-style: chr1-156868560-C-T. GRCh37 (hg19) VCF-style: chr1-156838352-C-T.
Other names: p.Asp210=; c.540C>T, p.Asp180= (NM_001007792.1); c.630C>T, p.Asp210= (NM_001012331.2); c.630C>T (NM_002529.3).
Identifiers: ClinVar variation 378307 (VCV000378307.52), dbSNP rs147882947, ClinGen allele CA1169059.